The following is an entry in ClinVar:

ClinVar aggregate classification (germline): Uncertain significance (1 of 4 stars; one submission).

Conditions:
Inborn genetic diseases. Identifiers: MedGen C0950123, MeSH D030342.

Submission:

Ambry Genetics
Classification: Uncertain significance for Inborn genetic diseases. Last evaluated: 2022-08-07. Review status: criteria provided, single submitter. Criteria: Ambry Variant Classification Scheme 2023. Collection method: clinical testing. Allele origin: germline.
Comment: The p.R2598L variant (also known as c.7793G>T), located in coding exon 47 of the ATR gene, results from a G to T substitution at nucleotide position 7793. The arginine at codon 2598 is replaced by leucine, an amino acid with dissimilar properties. This amino acid position is conserved. In addition, the in silico prediction for this alteration is inconclusive. Since supporting evidence is limited at this time, the clinical significance of this alteration remains unclear.

NM_001184.4(ATR):c.7793G>T (p.Arg2598Leu)

Gene: ATR (ATR checkpoint kinase; minus strand). Cytogenetic location: 3q23.
Variant type: single nucleotide variant.
Coding change: c.7793G>T on transcript NM_001184.4 (MANE Select); coding-DNA position 7793, G replaced by T.
Protein change: p.Arg2598Leu; replaces arginine 2598 with leucine.
Molecular consequence: missense variant.
Genome position (GRCh38, 1-based): chr3:142,449,571, C>A on the plus strand (G>T on the coding strand, the complement: ATR is on the minus strand). VCF-style: chr3-142449571-C-A. GRCh37 (hg19) VCF-style: chr3-142168413-C-A.
Other names: c.7601G>T, p.Arg2534Leu (NM_001354579.2); short protein forms R2534L, R2598L.
Identifiers: ClinVar variation 1760648 (VCV001760648.2), dbSNP rs1314855850, ClinGen allele CA354793921.
Genomic context (GRCh38, chr3:142,449,571, plus strand): 5'-CCTTCAATAGATAACGGCAGTCCTGTCACTCTATTTCGAGTCTTGATTACACCTTGTAGT[C>A]GCTGCTCAATGTCAAGAACATGGGTCTTGGCCTAAAAAGAAGAAACATAAAACCAAAAAC-3'
Protein context (NP_001175.2, residues 2588-2608): AKTHVLDIEQ[Arg2598Leu]LQGVIKTRNR